The following is an entry in ClinVar:

ClinVar aggregate classification (germline): Uncertain significance. Review status: criteria provided, multiple submitters, no conflicts (2 of 4 stars). 2 submissions from 2 submitters: Uncertain significance (2). Last evaluated 2024-02-08.

Conditions:
Inborn genetic diseases. Identifiers: MedGen C0950123, MeSH D030342.

Allele frequency attached by ClinVar (database versions not stated): TOPMed below 0.00001; gnomAD 0.00001.
gnomAD v4.1: 5 of 1,420,014 alleles (0.00035%); highest among the groups gnomAD compares: East Asian, 0.0055%; no homozygotes.

Submissions (2):

GeneDx
Classification: Uncertain significance. Last evaluated: 2024-02-08. Review status: criteria provided, single submitter. Criteria: GeneDx Variant Classification Process June 2021. Collection method: clinical testing. Allele origin: germline. Affected: yes.
Comment: Not observed at significant frequency in large population cohorts (gnomAD); In silico analysis supports that this missense variant does not alter protein structure/function; Has not been previously published as pathogenic or benign to our knowledge

Ambry Genetics
Classification: Uncertain significance for Inborn genetic diseases. Last evaluated: 2023-10-25. Review status: criteria provided, single submitter. Criteria: Ambry Variant Classification Scheme 2023. Collection method: clinical testing. Allele origin: germline.

NM_020066.5(FMN2):c.1523C>T (p.Ala508Val)

Gene: FMN2 (formin 2; plus strand). Cytogenetic location: 1q43.
Variant type: single nucleotide variant.
Coding change: c.1523C>T on transcript NM_020066.5 (MANE Select); coding-DNA position 1523, C replaced by T.
Protein change: p.Ala508Val; replaces alanine 508 with valine.
Molecular consequence: missense variant.
Genome position (GRCh38, 1-based): chr1:240,093,632, C>T. VCF-style: chr1-240093632-C-T. GRCh37 (hg19) VCF-style: chr1-240256932-C-T.
Other names: c.1523C>T, p.Ala508Val (NM_001305424.2, NM_001348094.2); short protein forms A508V.
Identifiers: ClinVar variation 3095810 (VCV003095810.2), dbSNP rs376836605, ClinGen allele CA1476340.